The following is an entry in ClinVar:

NM_001613.4(ACTA2):c.370-14G>A

Gene: ACTA2 (actin alpha 2, smooth muscle; minus strand). Cytogenetic location: 10q23.31.
Variant type: single nucleotide variant.
Coding change: c.370-14G>A on transcript NM_001613.4 (MANE Select); 14 bases into the intron before coding-DNA position 370, G replaced by A.
Molecular consequence: intron variant.
Genome position (GRCh38, 1-based): chr10:88,941,883, C>T on the plus strand (G>A on the coding strand, the complement: ACTA2 is on the minus strand). VCF-style: chr10-88941883-C-T. GRCh37 (hg19) VCF-style: chr10-90701640-C-T.
Other names: c.241-14G>A (NM_001406467.1, NM_001406468.1, NM_001406469.1); c.370-14G>A (NM_001320855.2, NM_001406462.1, NM_001406471.1 and 3 more transcripts); c.259-14G>A (NM_001406466.1).
Identifiers: ClinVar variation 2845532 (VCV002845532.4), dbSNP rs2494543155, ClinGen allele CA2739275921.

ClinVar aggregate classification (germline): Uncertain significance. Review status: criteria provided, multiple submitters, no conflicts (2 of 4 stars). 2 submissions from 2 submitters: Uncertain significance (2). Last evaluated 2023-08-03.

Conditions:
Aortic aneurysm, familial thoracic 6 (AAT6). Also called: FAMILIAL THORACIC AORTIC ANEURYSM WITH LIVEDO RETICULARIS AND IRIS FLOCCULI. Identifiers: MedGen C2673186, MONDO:0012730, OMIM 611788.

Submissions (2):

GeneDx
Classification: Uncertain significance. Last evaluated: 2023-08-03. Review status: criteria provided, single submitter. Criteria: GeneDx Variant Classification Process June 2021. Collection method: clinical testing. Allele origin: germline. Affected: yes.
Comment: Not observed at significant frequency in large population cohorts (gnomAD); In silico analysis supports a deleterious effect on splicing; Has not been previously published as pathogenic or benign to our knowledge

Labcorp Genetics (formerly Invitae), Labcorp
Classification: Uncertain significance for Aortic aneurysm, familial thoracic 6. Last evaluated: 2023-03-14. Review status: criteria provided, single submitter. Criteria: Invitae Variant Classification Sherloc (09022015). Collection method: clinical testing. Allele origin: germline.
Comment: In summary, the available evidence is currently insufficient to determine the role of this variant in disease. Therefore, it has been classified as a Variant of Uncertain Significance. Algorithms developed to predict the effect of sequence changes on RNA splicing suggest that this variant may disrupt the consensus splice site. This variant has not been reported in the literature in individuals affected with ACTA2-related conditions. This variant is not present in population databases (gnomAD no frequency). This sequence change falls in intron 4 of the ACTA2 gene. It does not directly change the encoded amino acid sequence of the ACTA2 protein.